The following is an entry in ClinVar:

NM_001375380.1(EBF3):c.1373-17_1373-16insGGA

Gene: EBF3 (EBF transcription factor 3; minus strand). Cytogenetic location: 10q26.3.
Variant type: Insertion.
Coding change: c.1373-17_1373-16insGGA on transcript NM_001375380.1 (MANE Select); 17 bases into the intron before coding-DNA position 1373 through 16 bases into the intron before coding-DNA position 1373, GGA inserted.
Molecular consequence: intron variant.
Genome position: GRCh38 VCF-style: chr10-129841048-C-CCCT. GRCh37 (hg19) VCF-style: chr10-131639312-C-CCCT.
Other names: c.1346-607_1346-606insGGA (NM_001375392.1); c.1346-17_1346-16insGGA (NM_001005463.3, NM_001375390.1); c.1373-17_1373-16insGGA (NM_001375391.1, NM_001375389.1, NM_001375379.1).
Identifiers: ClinVar variation 4870175 (VCV004870175.1).

ClinVar aggregate classification (germline): Uncertain significance (1 of 4 stars; one submission).

Conditions:
Inborn genetic diseases. Identifiers: MedGen C0950123, MeSH D030342.

Submission:

Ambry Genetics
Classification: Uncertain significance for Inborn genetic diseases. Last evaluated: 2026-03-16. Review status: criteria provided, single submitter. Criteria: Ambry Variant Classification Scheme 2023. Collection method: clinical testing. Allele origin: germline.
Comment: The c.1346-17_1346-16insAGG intronic variant begins 17 nucleotides before exon 14 (coding exon 14) in the EBF3 gene. This variant consists of an insertion of 3 nucleotides at positions c.1346-17 to c.1346-16. This variant was not reported in population-based cohorts in the Genome Aggregation Database (gnomAD). These nucleotide positions are highly conserved in available vertebrate species. In silico splice site analysis predicts that this alteration may weaken the native splice acceptor site and may result in the creation or strengthening of a novel splice acceptor site. Based on insufficient or conflicting evidence, the clinical significance of this alteration remains unclear.